The following is an entry in ClinVar:

ClinVar aggregate classification (germline): Uncertain significance (1 of 4 stars; one submission).

Conditions:
Hereditary sensory neuropathy-deafness-dementia syndrome. Also called: NEUROPATHY, HEREDITARY SENSORY, WITH HEARING LOSS AND DEMENTIA; Hereditary sensory neuropathy type IE; HSN IE; Hereditary Sensory and Autonomic Neuropathy Type 1E (HSAN1E). Identifiers: Orphanet 456318, MedGen C3279885, MONDO:0013584, OMIM 614116.

Submission:

Labcorp Genetics (formerly Invitae), Labcorp
Classification: Uncertain significance for Hereditary sensory neuropathy-deafness-dementia syndrome. Last evaluated: 2019-04-01. Review status: criteria provided, single submitter. Criteria: Invitae Variant Classification Sherloc (09022015). Collection method: clinical testing. Allele origin: germline.
Comment: This sequence change replaces histidine with tyrosine at codon 50 of the DNMT1 protein (p.His50Tyr). The histidine residue is moderately conserved and there is a moderate physicochemical difference between histidine and tyrosine. In summary, the available evidence is currently insufficient to determine the role of this variant in disease. Therefore, it has been classified as a Variant of Uncertain Significance. Algorithms developed to predict the effect of sequence changes on RNA splicing suggest that this variant may create or strengthen a splice site, but this prediction has not been confirmed by published transcriptional studies. Algorithms developed to predict the effect of missense changes on protein structure and function (SIFT, PolyPhen-2, Align-GVGD) all suggest that this variant is likely to be tolerated, but these predictions have not been confirmed by published functional studies and their clinical significance is uncertain. This variant has not been reported in the literature in individuals with DNMT1-related conditions. This variant is not present in population databases (ExAC no frequency).

NM_001130823.3(DNMT1):c.148C>T (p.His50Tyr)

Gene: DNMT1 (DNA methyltransferase 1; minus strand). Cytogenetic location: 19p13.2.
Variant type: single nucleotide variant.
Coding change: c.148C>T on transcript NM_001130823.3 (MANE Select); coding-DNA position 148, C replaced by T.
Protein change: p.His50Tyr; replaces histidine 50 with tyrosine.
Molecular consequence: missense variant. On other transcripts: 5 prime UTR variant (1).
Genome position (GRCh38, 1-based): chr19:10,180,855, G>A on the plus strand (C>T on the coding strand, the complement: DNMT1 is on the minus strand). VCF-style: chr19-10180855-G-A. GRCh37 (hg19) VCF-style: chr19-10291531-G-A.
Other names: c.148C>T, p.His50Tyr (NM_001318730.2, NM_001379.4); c.-176C>T (NM_001318731.2); short protein forms H50Y.
Identifiers: ClinVar variation 861661 (VCV000861661.9), dbSNP rs2039033115, ClinGen allele CA403947252.
Genomic context (GRCh38, chr19:10,180,855, plus strand): 5'-TACGTAATTTGGTTTCCAAGTCACATAACTGATTCTTTATTTCTGTTTGCAGAAATTCGT[G>A]CAAGAGATTCAATTTCTCCTTCACACATTCCTAAGGGAAGGATATAGGTTTAGCAGTACC-3'
Protein context (NP_001124295.1, residues 40-60): ECVKEKLNLL[His50Tyr]EFLQTEIKNQ